The following is an entry in ClinVar:

ClinVar aggregate classification (germline): Likely pathogenic. Review status: criteria provided, multiple submitters, no conflicts (2 of 4 stars). 3 submissions from 3 submitters: Likely pathogenic (3). Last evaluated 2024-04-25.

Conditions:
Fanconi anemia complementation group O. Also called: RAD51C-Related Fanconi Anemia. Identifiers: Orphanet 84, MedGen C3150653, MONDO:0013248, OMIM 613390.
Breast-ovarian cancer, familial, susceptibility to, 3. Also called: RAD51C-Related Breast/Ovarian Cancer. Identifiers: Orphanet 145, MedGen C3150659, MONDO:0013253, OMIM 613399.

Allele frequency attached by ClinVar (database versions not stated): gnomAD exomes below 0.00001; ExAC 0.00001.

Submissions (3):

Labcorp Genetics (formerly Invitae), Labcorp
Classification: Likely pathogenic for Fanconi anemia complementation group O. Last evaluated: 2024-04-25. Review status: criteria provided, single submitter. Criteria: Invitae Variant Classification Sherloc (09022015). Collection method: clinical testing. Allele origin: germline.
Comment: This sequence change affects an acceptor splice site in intron 5 of the RAD51C gene. It is expected to disrupt RNA splicing. Variants that disrupt the donor or acceptor splice site typically lead to a loss of protein function (PMID: 16199547), and loss-of-function variants in RAD51C are known to be pathogenic (PMID: 20400964, 21990120, 24800917, 29278735). This variant is not present in population databases (gnomAD no frequency). This variant has not been reported in the literature in individuals affected with RAD51C-related conditions. ClinVar contains an entry for this variant (Variation ID: 848786). Algorithms developed to predict the effect of sequence changes on RNA splicing suggest that this variant may disrupt the consensus splice site. In summary, the currently available evidence indicates that the variant is pathogenic, but additional data are needed to prove that conclusively. Therefore, this variant has been classified as Likely Pathogenic.

Myriad Genetics, Inc.
Classification: Likely pathogenic for Breast-ovarian cancer, familial, susceptibility to, 3. Last evaluated: 2024-01-03. Review status: criteria provided, single submitter. Criteria: Myriad Autosomal Dominant, Autosomal Recessive and X-Linked Classification Criteria (2023). Collection method: clinical testing. Allele origin: unknown.
Comment: This variant is considered likely pathogenic. This variant occurs within a consensus splice junction and is predicted to result in abnormal mRNA splicing of either an out-of-frame exon or an in-frame exon necessary for protein stability and/or normal function.

Revvity Omics, Revvity
Classification: Likely pathogenic for Fanconi anemia complementation group O. Last evaluated: 2023-12-27. Review status: criteria provided, single submitter. Criteria: ACMG Guidelines, 2015. Collection method: clinical testing. Allele origin: germline.

Literature cited by the submitters: PubMed 16199547 (cited by Labcorp Genetics (formerly Invitae), Labcorp); PubMed 20400964 (cited by Labcorp Genetics (formerly Invitae), Labcorp); PubMed 21990120 (cited by Labcorp Genetics (formerly Invitae), Labcorp); PubMed 24800917 (cited by Labcorp Genetics (formerly Invitae), Labcorp); PubMed 29278735 (cited by Labcorp Genetics (formerly Invitae), Labcorp).

NM_058216.3(RAD51C):c.838-2A>T

Gene: RAD51C (RAD51 paralog C; plus strand). Cytogenetic location: 17q22.
Variant type: single nucleotide variant.
Coding change: c.838-2A>T on transcript NM_058216.3 (MANE Select); the canonical splice acceptor site of the intron before coding-DNA position 838, A replaced by T.
Molecular consequence: splice acceptor variant.
Genome position (GRCh38, 1-based): chr17:58,720,744, A>T. VCF-style: chr17-58720744-A-T. GRCh37 (hg19) VCF-style: chr17-56798105-A-T.
Identifiers: ClinVar variation 848786 (VCV000848786.10), dbSNP rs748589398, ClinGen allele CA8677343.